The following is an entry in ClinVar:

ClinVar aggregate classification (germline): Benign (1 of 4 stars; one submission).

Conditions:
Sulfite oxidase deficiency due to molybdenum cofactor deficiency type A. Also called: Molybdenum Cofactor Deficiency A; Molybdenum cofactor deficiency, complementation group A. Identifiers: Orphanet 308386, Orphanet 833, MedGen C1854988, MONDO:0009643, OMIM 252150.

Allele frequency attached by ClinVar (database versions not stated): ExAC 0.01057; gnomAD 0.01180 and 0.01249; TOPMed 0.01267; gnomAD exomes 0.01346 and 0.01483; 1000 Genomes Project 30x 0.01483; 1000 Genomes Project 0.01677.

Submission:

Illumina Laboratory Services, Illumina
Classification: Benign for Sulfite oxidase deficiency due to molybdenum cofactor deficiency type A. Last evaluated: 2018-01-13. Review status: criteria provided, single submitter. Criteria: ICSL Variant Classification Criteria 13 December 2019. Collection method: clinical testing. Allele origin: germline.
Comment: This variant was observed in the ICSL laboratory as part of a predisposition screen in an ostensibly healthy population. It had not been previously curated by ICSL or reported in the Human Gene Mutation Database (HGMD: prior to June 1st, 2018), and was therefore a candidate for classification through an automated scoring system. Utilizing variant allele frequency, disease prevalence and penetrance estimates, and inheritance mode, an automated score was calculated to assess if this variant is too frequent to cause the disease. Based on the score and internal cut-off values, a variant classified as benign is not then subjected to further curation. The score for this variant resulted in a classification of benign for this disease.

NM_001358530.2(MOCS1):c.*1136A>C

Gene: MOCS1 (molybdenum cofactor synthesis 1; minus strand). Cytogenetic location: 6p21.2.
Variant type: single nucleotide variant.
Coding change: c.*1136A>C on transcript NM_001358530.2 (MANE Select); 1136 bases downstream of the stop codon, A replaced by C.
Molecular consequence: 3 prime UTR variant. On other transcripts: non-coding transcript variant (1).
Genome position (GRCh38, 1-based): chr6:39,905,221, T>G on the plus strand (A>C on the coding strand, the complement: MOCS1 is on the minus strand). VCF-style: chr6-39905221-T-G. GRCh37 (hg19) VCF-style: chr6-39872997-T-G.
Other names: c.*1904A>C (NM_001075098.4, NM_001358533.2, NM_001358534.2 and 1 more transcripts); c.*1136A>C (NM_001358529.2, NM_001358531.2).
Identifiers: ClinVar variation 356609 (VCV000356609.5), dbSNP rs60326448, ClinGen allele CA3795670.